The following is an entry in ClinVar:

NM_000268.4(NF2):c.1003G>A (p.Glu335Lys)

Gene: NF2 (NF2, moesin-ezrin-radixin like (MERLIN) tumor suppressor; plus strand). Cytogenetic location: 22q12.2.
Variant type: single nucleotide variant.
Coding change: c.1003G>A on transcript NM_000268.4 (MANE Select); coding-DNA position 1003, G replaced by A.
Protein change: p.Glu335Lys; replaces glutamic acid 335 with lysine.
Molecular consequence: missense variant. On other transcripts: non-coding transcript variant (1), intron variant (1).
Genome position (GRCh38, 1-based): chr22:29,671,829, G>A. VCF-style: chr22-29671829-G-A. GRCh37 (hg19) VCF-style: chr22-30067818-G-A.
Other names: c.1003G>A, p.Glu335Lys (NM_016418.5, NM_181825.3, NM_181832.3); c.877G>A, p.Glu293Lys (NM_181828.3); c.880G>A, p.Glu294Lys (NM_181829.3); c.754G>A, p.Glu252Lys (NM_181830.3, NM_181831.3); c.448-22923G>A (NM_181833.3); short protein forms E335K, E293K, E294K, E252K.
Identifiers: ClinVar variation 1037917 (VCV001037917.13), dbSNP rs1601643866, ClinGen allele CA411146663.

ClinVar aggregate classification (germline): Uncertain significance (1 of 4 stars; one submission).

Conditions:
Neurofibromatosis, type 2 (SWNV). Also called: BILATERAL ACOUSTIC NEUROFIBROMATOSIS; NF2-Related Schwannomatosis; SCHWANNOMATOSIS, VESTIBULAR. Identifiers: Orphanet 637, MedGen C0027832, MONDO:0007039, OMIM 101000. Disease mechanism: loss of function.

Submission:

Labcorp Genetics (formerly Invitae), Labcorp
Classification: Uncertain significance for Neurofibromatosis, type 2. Last evaluated: 2020-01-30. Review status: criteria provided, single submitter. Criteria: Invitae Variant Classification Sherloc (09022015). Collection method: clinical testing. Allele origin: germline.
Comment: In summary, the available evidence is currently insufficient to determine the role of this variant in disease. Therefore, it has been classified as a Variant of Uncertain Significance. Algorithms developed to predict the effect of missense changes on protein structure and function are either unavailable or do not agree on the potential impact of this missense change (SIFT: "Deleterious"; PolyPhen-2: "Benign"; Align-GVGD: "Class C0"). This variant has not been reported in the literature in individuals with NF2-related conditions. This variant is not present in population databases (ExAC no frequency). This sequence change replaces glutamic acid with lysine at codon 335 of the NF2 protein (p.Glu335Lys). The glutamic acid residue is highly conserved and there is a small physicochemical difference between glutamic acid and lysine.